The following is an entry in ClinVar:

ClinVar aggregate classification (germline): Likely benign. Review status: criteria provided, multiple submitters, no conflicts (2 of 4 stars). 2 submissions from 2 submitters: Likely benign (2). Last evaluated 2026-04-03.

Conditions:
GRK1-related disorder. Also called: GRK1-related condition.

gnomAD v4.1: 384 of 1,536,108 alleles (0.025%); highest among the groups gnomAD compares: East Asian, 0.22%; 1 homozygote.

Submissions (2):

PreventionGenetics, part of Exact Sciences
Classification: Likely benign for GRK1-related condition. Last evaluated: 2026-04-03. Review status: criteria provided, single submitter. Criteria: ACMG Guidelines, 2015. Collection method: clinical testing. Allele origin: germline.
Comment: This variant is classified as likely benign based on ACMG/AMP sequence variant interpretation guidelines (Richards et al. 2015 PMID: 25741868, with internal and published modifications).

Blueprint Genetics
Classification: Likely benign. Last evaluated: 2024-09-18. Review status: criteria provided, single submitter. Criteria: ACMG Guidelines, 2015. Collection method: clinical testing. Allele origin: germline.

NM_002929.3(GRK1):c.1612G>A (p.Gly538Ser)

Gene: GRK1 (G protein-coupled receptor kinase 1; plus strand). Cytogenetic location: 13q34.
Variant type: single nucleotide variant.
Coding change: c.1612G>A on transcript NM_002929.3 (MANE Select); coding-DNA position 1612, G replaced by A.
Protein change: p.Gly538Ser; replaces glycine 538 with serine.
Molecular consequence: missense variant.
Genome position (GRCh38, 1-based): chr13:113,735,283, G>A. VCF-style: chr13-113735283-G-A. GRCh37 (hg19) VCF-style: chr13-114438256-G-A.
Other names: c.1612G>A (NM_002929.2); short protein forms G538S.
Identifiers: ClinVar variation 4920792 (VCV004920792.2).